The following is an entry in ClinVar:

NM_006415.4(SPTLC1):c.716G>A (p.Arg239Gln)

Gene: SPTLC1 (serine palmitoyltransferase long chain base subunit 1; minus strand). Cytogenetic location: 9q22.31.
Variant type: single nucleotide variant.
Coding change: c.716G>A on transcript NM_006415.4 (MANE Select); coding-DNA position 716, G replaced by A.
Protein change: p.Arg239Gln; replaces arginine 239 with glutamine.
Molecular consequence: missense variant.
Genome position (GRCh38, 1-based): chr9:92,055,469, C>T on the plus strand (G>A on the coding strand, the complement: SPTLC1 is on the minus strand). VCF-style: chr9-92055469-C-T. GRCh37 (hg19) VCF-style: chr9-94817751-C-T.
Other names: c.716G>A, p.Arg239Gln (NM_001281303.2); c.350G>A, p.Arg117Gln (NM_001368272.1); c.251G>A, p.Arg84Gln (NM_001368273.1); short protein forms R84Q, R117Q, R239Q.
Identifiers: ClinVar variation 2915454 (VCV002915454.3), dbSNP rs773121449, ClinGen allele CA5121452.

ClinVar aggregate classification (germline): Uncertain significance (1 of 4 stars; one submission).

Conditions:
Hereditary sensory and autonomic neuropathy type 1 (HSAN1). Also called: HSAN 1; HSN Type I; Hereditary Sensory Neuropathy Type I. Identifiers: Orphanet 36386, MedGen C0020071, MONDO:0018213.

Allele frequency attached by ClinVar (database versions not stated): gnomAD exomes below 0.00001; ExAC 0.00002; TOPMed below 0.00001.
gnomAD v4.1: 6 of 1,613,650 alleles (0.00037%); highest among the groups gnomAD compares: East Asian, 0.0022%; no homozygotes.

Submission:

Labcorp Genetics (formerly Invitae), Labcorp
Classification: Uncertain significance for Hereditary sensory and autonomic neuropathy type 1. Last evaluated: 2023-10-04. Review status: criteria provided, single submitter. Criteria: Invitae Variant Classification Sherloc (09022015). Collection method: clinical testing. Allele origin: germline.
Comment: This sequence change replaces arginine, which is basic and polar, with glutamine, which is neutral and polar, at codon 239 of the SPTLC1 protein (p.Arg239Gln). This variant is present in population databases (rs773121449, gnomAD 0.006%). This missense change has been observed in individual(s) with amyotrophic lateral sclerosis (PMID: 36966328). Advanced modeling of protein sequence and biophysical properties (such as structural, functional, and spatial information, amino acid conservation, physicochemical variation, residue mobility, and thermodynamic stability) has been performed at Invitae for this missense variant, however the output from this modeling did not meet the statistical confidence thresholds required to predict the impact of this variant on SPTLC1 protein function. In summary, the available evidence is currently insufficient to determine the role of this variant in disease. Therefore, it has been classified as a Variant of Uncertain Significance.

Literature cited by the submitters: PubMed 36966328.